The following is an entry in ClinVar:

NM_001374385.1(ATP8B1):c.2626G>A (p.Val876Met)

Genes: ATP8B1 (ATPase phospholipid transporting 8B1; minus strand), ATP8B1-AS1 (ATP8B1 antisense RNA 1; plus strand). Cytogenetic location: 18q21.31.
Variant type: single nucleotide variant.
Coding change: c.2626G>A on transcript NM_001374385.1 (MANE Select); coding-DNA position 2626, G replaced by A.
Protein change: p.Val876Met; replaces valine 876 with methionine.
Molecular consequence: missense variant.
Genome position (GRCh38, 1-based): chr18:57,661,255, C>T on the plus strand (G>A on the coding strand, the complement: ATP8B1 is on the minus strand). VCF-style: chr18-57661255-C-T. GRCh37 (hg19) VCF-style: chr18-55328487-C-T.
Other names: c.2476G>A, p.Val826Met (NM_001374386.1); c.2626G>A, p.Val876Met (NM_005603.6); short protein forms V876M, V826M.
Identifiers: ClinVar variation 4992276 (VCV004992276.1).
Genomic context (GRCh38, chr18:57,661,255, plus strand): 5'-TGGCCCCATCTCCGATGGCCAGCGTGATGGCTTTCTTGTACCTCTTCACCAGGTCCACCA[C>T]CATGGCCTTCTGCTTGGGGGTGACGCGGCAGCAGATGACTGCGCTGCACTCGCAGGCCAG-3'
Protein context (NP_001361314.1, residues 866-886): CRVTPKQKAM[Val876Met]VDLVKRYKKA

ClinVar aggregate classification (germline): Uncertain significance (1 of 4 stars; one submission).

Conditions:
ATP8B1-related disorder. Also called: ATP8B1-related disorders; ATP8B1-related condition.

Submission:

PreventionGenetics, part of Exact Sciences
Classification: Uncertain significance for ATP8B1-related condition. Last evaluated: 2026-09-03. Review status: criteria provided, single submitter. Criteria: ACMG Guidelines, 2015. Collection method: clinical testing. Allele origin: germline.
Comment: The ATP8B1 c.2626G>A variant is predicted to result in the amino acid substitution p.Val876Met. To our knowledge, this variant has not been reported in the literature or in a large population database (gnomAD), indicating this variant is rare. At this time, the clinical significance of this variant is uncertain due to the absence of conclusive functional and genetic evidence.